The following is an entry in ClinVar:

NM_007327.4(GRIN1):c.1570G>C (p.Ala524Pro)

Gene: GRIN1 (glutamate ionotropic receptor NMDA type subunit 1; plus strand). Cytogenetic location: 9q34.3.
Variant type: single nucleotide variant.
Coding change: c.1570G>C on transcript NM_007327.4 (MANE Select); coding-DNA position 1570, G replaced by C.
Protein change: p.Ala524Pro; replaces alanine 524 with proline.
Molecular consequence: missense variant.
Genome position (GRCh38, 1-based): chr9:137,162,026, G>C. VCF-style: chr9-137162026-G-C. GRCh37 (hg19) VCF-style: chr9-140056478-G-C.
Other names: c.1570G>C, p.Ala524Pro (NM_000832.7, NM_021569.4); c.1633G>C, p.Ala545Pro (NM_001185090.2, NM_001185091.2); short protein forms A524P, A545P.
Identifiers: ClinVar variation 1704738 (VCV001704738.2), dbSNP rs954781478, ClinGen allele CA201687084.
Genomic context (GRCh38, chr9:137,162,026, plus strand): 5'-GAGCTGCTCAGCGGGCAGGCAGACATGATCGTGGCGCCGCTAACCATAAACAACGAGCGC[G>C]CGCAGTACATCGAGTTTTCCAAGCCCTTCAAGTACCAGGGCCTGACTATTCTGGTCAAGA-3'
Protein context (NP_015566.1, residues 514-534): VAPLTINNER[Ala524Pro]QYIEFSKPFK

ClinVar aggregate classification (germline): Uncertain significance (1 of 4 stars; one submission).

Allele frequency attached by ClinVar (database versions not stated): TOPMed 0.00002.
gnomAD v4.1: 1 of 1,555,616 alleles (0.000064%); no homozygotes.

Submission:

GeneDx
Classification: Uncertain significance. Last evaluated: 2022-09-02. Review status: criteria provided, single submitter. Criteria: GeneDx Variant Classification Process June 2021. Collection method: clinical testing. Allele origin: germline. Affected: yes.
Comment: In silico analysis supports that this missense variant has a deleterious effect on protein structure/function; Has not been previously published as pathogenic or benign to our knowledge